The following is an entry in ClinVar:

NM_021098.3(CACNA1H):c.3449G>A (p.Arg1150His)

Gene: CACNA1H (calcium voltage-gated channel subunit alpha1 H; plus strand). Cytogenetic location: 16p13.3.
Variant type: single nucleotide variant.
Coding change: c.3449G>A on transcript NM_021098.3 (MANE Select); coding-DNA position 3449, G replaced by A.
Protein change: p.Arg1150His; replaces arginine 1150 with histidine.
Molecular consequence: missense variant.
Genome position (GRCh38, 1-based): chr16:1,209,117, G>A. VCF-style: chr16-1209117-G-A. GRCh37 (hg19) VCF-style: chr16-1259117-G-A.
Other names: c.3449G>A, p.Arg1150His (NM_001005407.2); short protein forms R1150H.
Identifiers: ClinVar variation 382313 (VCV000382313.12), dbSNP rs373762102, ClinGen allele CA7800769.

ClinVar aggregate classification (germline): Conflicting classifications of pathogenicity. Review status: criteria provided, conflicting classifications (1 of 4 stars). 4 submissions from 4 submitters: Uncertain significance (3); Benign (1). Last evaluated 2025-12-15.

Conditions:
Inborn genetic diseases. Identifiers: MedGen C0950123, MeSH D030342.
Idiopathic generalized epilepsy. Also called: Generalised epilepsy; EIG. Identifiers: MedGen C0270850, MONDO:0005579, OMIM 600669.
Hyperaldosteronism, familial, type IV (HALD4). Also called: FH IV; ALDOSTERONISM, PRIMARY, AND HYPERTENSION. Identifiers: Orphanet 642671, MedGen C4310756, MONDO:0014875, OMIM 617027.

Allele frequency attached by ClinVar (database versions not stated): gnomAD exomes 0.00003; gnomAD 0.00005 and 0.00007; TOPMed 0.00006; ExAC 0.00007; ESP Exome Variant Server 0.00009.

Submissions (4):

Labcorp Genetics (formerly Invitae), Labcorp
Classification: Benign for Idiopathic generalized epilepsy; Hyperaldosteronism, familial, type IV. Last evaluated: 2025-12-15. Review status: criteria provided, single submitter. Criteria: Invitae Variant Classification Sherloc (09022015). Collection method: clinical testing. Allele origin: germline.

Women's Health and Genetics/Laboratory Corporation of America, LabCorp
Classification: Uncertain significance. Last evaluated: 2025-02-24. Review status: criteria provided, single submitter. Criteria: LabCorp Variant Classification Summary - May 2015. Collection method: clinical testing. Allele origin: germline.
Comment: Variant summary: CACNA1H c.3449G>A (p.Arg1150His) results in a non-conservative amino acid change in the encoded protein sequence. Four of five in-silico tools predict a damaging effect of the variant on protein function. The variant allele was found at a frequency of 2.7e-05 in 146750 control chromosomes. The available data on variant occurrences in the general population are insufficient to allow any conclusion about variant significance. To our knowledge, no occurrence of c.3449G>A in individuals affected with Idiopathic Generalized Epilepsy and no experimental evidence demonstrating its impact on protein function have been reported. ClinVar contains an entry for this variant (Variation ID: 382313). Based on the evidence outlined above, the variant was classified as uncertain significance.

Ambry Genetics
Classification: Uncertain significance for Inborn genetic diseases. Last evaluated: 2022-10-25. Review status: criteria provided, single submitter. Criteria: Ambry Variant Classification Scheme 2023. Collection method: clinical testing. Allele origin: germline.

GeneDx
Classification: Uncertain significance. Last evaluated: 2017-08-16. Review status: criteria provided, single submitter. Criteria: GeneDx Variant Classification (06012015). Collection method: clinical testing. Allele origin: germline. Affected: yes.
Comment: The R1150H variant in the CACNA1H gene has not been reported previously as a pathogenic variant, nor as a benign variant, to our knowledge. The R1150H variant was not observed at any significant frequency in approximately 5,600 individuals of European and African American ancestry in the NHLBI Exome Sequencing Project, indicating it is not a common benign variant in these populations. The R1150H variant is a conservative amino acid substitution, which is not likely to impact secondary protein structure as these residues share similar properties. This substitution occurs at a position that is not conserved. In silico analysis is inconsistent in its predictions as to whether or not the variant is damaging to the protein structure/function. We interpret R1150H as a variant of uncertain significance.